The following is an entry in ClinVar:

ClinVar aggregate classification (germline): Likely benign. Review status: criteria provided, multiple submitters, no conflicts (2 of 4 stars). 3 submissions from 3 submitters: Likely benign (2). 1 of the submissions does not count toward it. Last evaluated 2026-09-01.

Conditions:
TLR4-related disorder. Also called: TLR4-related condition.

Allele frequency attached by ClinVar (database versions not stated): 1000 Genomes Project 0.00100; 1000 Genomes Project 30x 0.00125; ExAC 0.00208; gnomAD 0.00230 and 0.00232; gnomAD exomes 0.00230 and 0.00296; TOPMed 0.00263; ESP Exome Variant Server 0.00331.
gnomAD v4.1: 4,650 of 1,614,074 alleles (0.29%); highest among the groups gnomAD compares: Admixed American, 0.34%; 6 homozygotes.

Submissions (3):

CeGaT Center for Human Genetics Tuebingen
Classification: Likely benign. Last evaluated: 2026-09-01. Review status: criteria provided, single submitter. Criteria: CeGaT Center For Human Genetics Tuebingen Variant Classification Criteria Version 2. Collection method: clinical testing. Allele origin: germline. Affected: yes. Observed: 3 variant alleles.
Comment: TLR4: BS2

PreventionGenetics, part of Exact Sciences
Classification: Likely benign for TLR4-related condition. Last evaluated: 2024-11-25. Review status: criteria provided, single submitter. Criteria: ACMG Guidelines, 2015. Collection method: clinical testing. Allele origin: germline.
Comment: This variant is classified as likely benign based on ACMG/AMP sequence variant interpretation guidelines (Richards et al. 2015 PMID: 25741868, with internal and published modifications).

NEI Ophthalmic Genomics Laboratory, National Institutes of Health
No classification provided. Review status: no classification provided. Collection method: not provided. Allele origin: not provided. Not counted in ClinVar's aggregate classification.

NM_138554.5(TLR4):c.842G>A (p.Cys281Tyr)

Gene: TLR4 (toll like receptor 4; plus strand). Cytogenetic location: 9q33.1.
Variant type: single nucleotide variant.
Coding change: c.842G>A on transcript NM_138554.5 (MANE Select); coding-DNA position 842, G replaced by A.
Protein change: p.Cys281Tyr; replaces cysteine 281 with tyrosine.
Molecular consequence: missense variant.
Genome position (GRCh38, 1-based): chr9:117,712,970, G>A. VCF-style: chr9-117712970-G-A. GRCh37 (hg19) VCF-style: chr9-120475248-G-A.
Other names: c.722G>A, p.Cys241Tyr (NM_003266.4); c.242G>A, p.Cys81Tyr (NM_138557.3); c.842G>A (NM_138554.4); short protein forms C281Y, C81Y, C241Y.
Identifiers: ClinVar variation 100604 (VCV000100604.15), dbSNP rs137853920, ClinGen allele CA228948.
Genomic context (GRCh38, chr9:117,712,970, plus strand): 5'-GAGAATTTAGAAATGAAGGAAACTTGGAAAAGTTTGACAAATCTGCTCTAGAGGGCCTGT[G>A]CAATTTGACCATTGAAGAATTCCGATTAGCATACTTAGACTACTACCTCGATGATATTAT-3'
Protein context (NP_612564.1, residues 271-291): KFDKSALEGL[Cys281Tyr]NLTIEEFRLA